The following is an entry in ClinVar:

ClinVar aggregate classification (germline): Likely pathogenic (1 of 4 stars; one submission).

Submission:

Labcorp Genetics (formerly Invitae), Labcorp
Classification: Likely pathogenic. Last evaluated: 2023-05-21. Review status: criteria provided, single submitter. Criteria: Invitae Variant Classification Sherloc (09022015). Collection method: clinical testing. Allele origin: germline.
Comment: In summary, the currently available evidence indicates that the variant is pathogenic, but additional data are needed to prove that conclusively. Therefore, this variant has been classified as Likely Pathogenic. This variant disrupts the triple helix domain of COL4A5. Glycine residues within the Gly-Xaa-Yaa repeats of the triple helix domain are required for the structure and stability of fibrillar collagens (PMID: 7695699, 8218237, 19344236). In COL4A5, missense variants at these glycine residues are significantly enriched in individuals with disease (PMID: 23720012, 27627812) compared to the general population (ExAC). Advanced modeling of protein sequence and biophysical properties (such as structural, functional, and spatial information, amino acid conservation, physicochemical variation, residue mobility, and thermodynamic stability) performed at Invitae indicates that this missense variant is expected to disrupt COL4A5 protein function. This variant has not been reported in the literature in individuals affected with COL4A5-related conditions. This variant is not present in population databases (gnomAD no frequency). This sequence change replaces glycine, which is neutral and non-polar, with serine, which is neutral and polar, at codon 1104 of the COL4A5 protein (p.Gly1104Ser).

Literature cited by the submitters: PubMed 7695699; PubMed 8218237; PubMed 19344236; PubMed 23720012; PubMed 27627812.

NM_033380.3(COL4A5):c.3310G>A (p.Gly1104Ser)

Gene: COL4A5 (collagen type IV alpha 5 chain; plus strand). Cytogenetic location: Xq22.3.
Variant type: single nucleotide variant.
Coding change: c.3310G>A on transcript NM_033380.3 (MANE Select); coding-DNA position 3310, G replaced by A.
Protein change: p.Gly1104Ser; replaces glycine 1104 with serine.
Molecular consequence: missense variant.
Genome position (GRCh38, 1-based): chrX:108,655,394, G>A. VCF-style: chrX-108655394-G-A. GRCh37 (hg19) VCF-style: chrX-107898624-G-A.
Other names: c.3310G>A, p.Gly1104Ser (NM_000495.5); short protein forms G1104S.
Identifiers: ClinVar variation 3017907 (VCV003017907.3), dbSNP rs1569504072, ClinGen allele CA413857420.